The following is an entry in ClinVar:

NM_002524.5(NRAS):c.457G>A (p.Glu153Lys)

Gene: NRAS (NRAS proto-oncogene, GTPase; minus strand). Cytogenetic location: 1p13.2.
Variant type: single nucleotide variant.
Coding change: c.457G>A on transcript NM_002524.5 (MANE Select); coding-DNA position 457, G replaced by A.
Protein change: p.Glu153Lys; replaces glutamic acid 153 with lysine.
Molecular consequence: missense variant.
Genome position (GRCh38, 1-based): chr1:114,708,648, C>T on the plus strand (G>A on the coding strand, the complement: NRAS is on the minus strand). VCF-style: chr1-114708648-C-T. GRCh37 (hg19) VCF-style: chr1-115251269-C-T.
Other names: short protein forms E153K.
Identifiers: ClinVar variation 981573 (VCV000981573.4), dbSNP rs866005906, ClinGen allele CA29041544.

ClinVar aggregate classification (germline): Uncertain significance. Review status: criteria provided, multiple submitters, no conflicts (2 of 4 stars). 4 submissions from 4 submitters: Uncertain significance (3). 1 of the submissions does not count toward it. Last evaluated 2026-01-25.

Conditions:
Noonan syndrome (NS). Also called: Noonan's syndrome. Identifiers: Orphanet 648, MedGen C0028326, MeSH D009634, MONDO:0018997. Disease mechanism: gain of function.
RASopathy. Also called: rasopathies; Noonan spectrum disorder. Identifiers: Orphanet 536391, MedGen C5555857, MONDO:0021060.
Noonan syndrome 6 (NS6). Also called: NRAS-Related Noonan Syndrome. Identifiers: Orphanet 648, MedGen C2750732, MONDO:0013186, OMIM 613224.

Submissions (4):

Labcorp Genetics (formerly Invitae), Labcorp
Classification: Uncertain significance for RASopathy. Last evaluated: 2026-01-25. Review status: criteria provided, single submitter. Criteria: Invitae Variant Classification Sherloc (09022015). Collection method: clinical testing. Allele origin: germline.
Comment: This sequence change replaces glutamic acid, which is acidic and polar, with lysine, which is basic and polar, at codon 153 of the NRAS protein (p.Glu153Lys). This variant is not present in population databases (gnomAD no frequency). This variant has not been reported in the literature in individuals affected with NRAS-related conditions. ClinVar contains an entry for this variant (Variation ID: 981573). An algorithm developed to predict the effect of missense changes on protein structure and function (PolyPhen-2) suggests that this variant is likely to be tolerated. In summary, the available evidence is currently insufficient to determine the role of this variant in disease. Therefore, it has been classified as a Variant of Uncertain Significance.

GeneDx
Classification: Uncertain significance. Last evaluated: 2025-02-04. Review status: criteria provided, single submitter. Criteria: GeneDx Variant Classification Process June 2021. Collection method: clinical testing. Allele origin: germline. Affected: yes.
Comment: Not observed at significant frequency in large population cohorts (gnomAD); In silico analysis supports that this missense variant has a deleterious effect on protein structure/function; Missense variants in this gene are a common cause of disease and they are underrepresented in the general population; Has not been previously published as pathogenic or benign to our knowledge

Pittsburgh Clinical Genomics Laboratory, University of Pittsburgh Medical Center
Classification: Uncertain significance for Noonan syndrome 6. Last evaluated: 2022-05-20. Review status: criteria provided, single submitter. Criteria: ACMG Guidelines, 2015. Collection method: clinical testing. Allele origin: germline. Inheritance: Autosomal dominant inheritance. Affected: yes.
Comment: This sequence variant is a single nucleotide substitution (G>A) at coding position 457 of the NRAS gene which results in a glutamic acid to lysine amino acid change at residue 153 in the NRAS protein. While this variant has not been observed in the literature as a germline variant in patients with NRAS-related disease, it has been reported in an individual with Noon syndrome (ClinVar). This variant is absent from the gnomAD control population dataset (0/~251400 alleles). Multiple bioinformatic tools predict that this glutamic acid to lysine change will be damaging, and glutamic acid is highly conserved at this position in vertebrates. At this time, there is insufficient information to determine if this variant is benign or pathogenic. Therefore, we consider it to be a variant of uncertain significance. ACMG Criteria: PM2, PP2, PP3

Service de Génétique Moléculaire, Hôpital Robert Debré
Classification: Uncertain significance for Noonan syndrome. Review status: no assertion criteria provided. Collection method: clinical testing. Allele origin: unknown. Affected: yes. Not counted in ClinVar's aggregate classification.